The following is an entry in ClinVar:

NM_004562.3(PRKN):c.871+69700_871+69704del

Gene: PRKN (parkin RBR E3 ubiquitin protein ligase; minus strand). Cytogenetic location: 6q26.
Variant type: Deletion.
Coding change: c.871+69700_871+69704del on transcript NM_004562.3 (MANE Select); bases 69700 to 69704 of the intron after coding-DNA position 871, 5 bases deleted (AAGAT; older notation c.871+69700_871+69704delAAGAT).
Molecular consequence: intron variant.
Genome position (GRCh38, 1-based): chr6:161,716,068-161,716,072, ATCTT deleted on the plus strand (AAGAT on the coding strand, the reverse complement: PRKN is on the minus strand); deleting any 5 consecutive bases within chr6:161,716,068-161,716,073 gives the same sequence; the c. name uses the placement nearest the transcript's 3' end. VCF-style (leftmost placement, unchanged base first): chr6-161716067-CATCTT-C. GRCh37 (hg19) VCF-style: chr6-162137099-CATCTT-C.
Other names: c.424+69700_424+69704del (NM_013988.3); c.787+69700_787+69704del (NM_013987.3); c.871+69700_871+69704del5 (NM_004562.2).
Identifiers: ClinVar variation 1229601 (VCV001229601.4), dbSNP rs112078090, ClinGen allele CA4090145.

ClinVar aggregate classification (germline): Benign. Review status: criteria provided, multiple submitters, no conflicts (2 of 4 stars). 2 submissions from 2 submitters: Benign (2). Last evaluated 2025-06-17.

Conditions:
PRKN-related disorder. Also called: PRKN-related condition.

Submissions (2):

PreventionGenetics, part of Exact Sciences
Classification: Benign for PRKN-related condition. Last evaluated: 2025-06-17. Review status: criteria provided, single submitter. Criteria: ACMG Guidelines, 2015. Collection method: clinical testing. Allele origin: germline.
Comment: This variant is classified as benign based on ACMG/AMP sequence variant interpretation guidelines (Richards et al. 2015 PMID: 25741868, with internal and published modifications).

GeneDx
Classification: Benign. Last evaluated: 2021-05-14. Review status: criteria provided, single submitter. Criteria: GeneDx Variant Classification Process June 2021. Collection method: clinical testing. Allele origin: germline. Affected: yes.